The following is an entry in ClinVar:

NM_006904.7(PRKDC):c.5603C>T (p.Thr1868Ile)

Gene: PRKDC (protein kinase, DNA-activated, catalytic subunit; minus strand). Cytogenetic location: 8q11.21.
Variant type: single nucleotide variant.
Coding change: c.5603C>T on transcript NM_006904.7 (MANE Select); coding-DNA position 5603, C replaced by T.
Protein change: p.Thr1868Ile; replaces threonine 1868 with isoleucine.
Molecular consequence: missense variant.
Genome position (GRCh38, 1-based): chr8:47,863,546, G>A on the plus strand (C>T on the coding strand, the complement: PRKDC is on the minus strand). VCF-style: chr8-47863546-G-A. GRCh37 (hg19) VCF-style: chr8-48776107-G-A.
Other names: c.5603C>T, p.Thr1868Ile (NM_001081640.2); short protein forms T1868I.
Identifiers: ClinVar variation 1748584 (VCV001748584.2), dbSNP rs2551870857, ClinGen allele CA371163188.

ClinVar aggregate classification (germline): Uncertain significance (1 of 4 stars; one submission).

Submission:

Ambry Genetics
Classification: Uncertain significance. Last evaluated: 2022-08-22. Review status: criteria provided, single submitter. Criteria: Ambry Variant Classification Scheme 2023. Collection method: clinical testing. Allele origin: germline.
Comment: The p.T1868I variant (also known as c.5603C>T), located in coding exon 42 of the PRKDC gene, results from a C to T substitution at nucleotide position 5603. The threonine at codon 1868 is replaced by isoleucine, an amino acid with similar properties. This amino acid position is conserved. Since supporting evidence is limited at this time, the clinical significance of this alteration remains unclear.